The following is an entry in ClinVar:

ClinVar aggregate classification (germline): Uncertain significance (1 of 4 stars; one submission).

Submission:

CeGaT Center for Human Genetics Tuebingen
Classification: Uncertain significance. Last evaluated: 2026-04-01. Review status: criteria provided, single submitter. Criteria: CeGaT Center For Human Genetics Tuebingen Variant Classification Criteria Version 2. Collection method: clinical testing. Allele origin: germline. Affected: yes. Observed: 1 variant allele.
Comment: MAMLD1: PM2, BP4

NM_005491.5(MAMLD1):c.1525C>T (p.Pro509Ser)

Gene: MAMLD1 (mastermind like domain containing 1; plus strand). Cytogenetic location: Xq28.
Variant type: single nucleotide variant.
Coding change: c.1525C>T on transcript NM_005491.5 (MANE Select); coding-DNA position 1525, C replaced by T.
Protein change: p.Pro509Ser; replaces proline 509 with serine.
Molecular consequence: missense variant.
Genome position (GRCh38, 1-based): chrX:150,471,098, C>T. VCF-style: chrX-150471098-C-T. GRCh37 (hg19) VCF-style: chrX-149639370-C-T.
Other names: c.1450C>T, p.Pro484Ser (NM_001177465.3, NM_001177466.3, NM_001400514.1); c.1525C>T, p.Pro509Ser (NM_001400512.1, NM_001400513.1, NM_001400515.1); short protein forms P484S, P509S.
Identifiers: ClinVar variation 4874645 (VCV004874645.2).